The following is an entry in ClinVar:

NM_153676.4(USH1C):c.33dup (p.Lys12Ter)

Gene: USH1C (USH1 protein network component harmonin; minus strand). Cytogenetic location: 11p15.1.
Variant type: Duplication.
Coding change: c.33dup on transcript NM_153676.4 (MANE Select); coding-DNA position 33, one base duplicated (T; older notation c.33dupT).
Protein change: p.Lys12Ter; replaces lysine 12 with a stop codon.
Molecular consequence: nonsense. On other transcripts: non-coding transcript variant (1).
Genome position (GRCh38, 1-based): chr11:17,544,275, A duplicated on the plus strand (T on the coding strand, the reverse complement: USH1C is on the minus strand). VCF-style (leftmost placement, unchanged base first): chr11-17544274-T-TA. GRCh37 (hg19) VCF-style: chr11-17565821-T-TA.
Other names: c.33dup, p.Lys12Ter (NM_001440681.1, NM_001440682.1, NM_001440683.1 and 5 more transcripts); short protein forms K12*.
Identifiers: ClinVar variation 4815458 (VCV004815458.1).
Genomic context (GRCh38, chr11:17,544,274, plus strand): 5'-ACCCACCGCGCCCAGGACTCCGGAGTCCCAGAAGCCTGGGGCGCCCTGCAGCTCTGACCT[T>TA]ATGCCGGAATTCTCGGGCCACTTTTCGGTCCATGGCTGGGCCAGGTCCAGCTGCGTCGTT-3'

ClinVar aggregate classification (germline): Likely pathogenic (1 of 4 stars; one submission).

Conditions:
Usher syndrome type 1C. Also called: USHER SYNDROME, TYPE I, ACADIAN VARIETY. Identifiers: Orphanet 231169, Orphanet 886, MedGen C1848604, MONDO:0010171, OMIM 276904.

Submission:

Natera, Inc.
Classification: Likely pathogenic for Usher syndrome type 1C. Last evaluated: 2024-07-02. Review status: criteria provided, single submitter. Criteria: Natera Variant Classification Schema (03/2026). Collection method: clinical testing. Allele origin: germline.
Comment: The c.33dup variant in USH1C is a frameshift variant predicted to shift the reading frame and introduce a stop codon. This variant is expected to result in nonsense mediated decay, truncation, or a dysfunctional protein product. This variant is rare in the general population with a frequency below the threshold expected for the associated phenotype(s). Given the available evidence, this variant is classified as Likely Pathogenic.